The following is an entry in ClinVar:

ClinVar aggregate classification (germline): Uncertain significance. Review status: criteria provided, multiple submitters, no conflicts (2 of 4 stars). 3 submissions from 3 submitters: Uncertain significance (3). Last evaluated 2024-01-25.

Conditions:
Inborn genetic diseases. Identifiers: MedGen C0950123, MeSH D030342.
Proline dehydrogenase deficiency (HYRPRO1). Also called: PROLINE OXIDASE DEFICIENCY; Hyperprolinemia type 1. Identifiers: Orphanet 419, MedGen C0268529, MONDO:0009400, OMIM 239500.
Schizophrenia 4 (SCZD4). Also called: SCHIZOPHRENIA SUSCEPTIBILITY LOCUS, CHROMOSOME 22q11-RELATED; SCHIZOPHRENIA, SUSCEPTIBILITY TO, 4. Identifiers: MedGen C1833247, MONDO:0010943, OMIM 600850.

Allele frequency attached by ClinVar (database versions not stated): ExAC 0.00003; gnomAD exomes 0.00005.

Submissions (3):

Fulgent Genetics
Classification: Uncertain significance for Proline dehydrogenase deficiency; Schizophrenia 4. Last evaluated: 2024-01-25. Review status: criteria provided, single submitter. Criteria: ACMG Guidelines, 2015. Collection method: clinical testing. Allele origin: germline.

Labcorp Genetics (formerly Invitae), Labcorp
Classification: Uncertain significance for Proline dehydrogenase deficiency. Last evaluated: 2022-06-09. Review status: criteria provided, single submitter. Criteria: Invitae Variant Classification Sherloc (09022015). Collection method: clinical testing. Allele origin: germline.
Comment: This sequence change replaces serine, which is neutral and polar, with glycine, which is neutral and non-polar, at codon 285 of the PRODH protein (p.Ser285Gly). This variant is present in population databases (rs199829422, gnomAD 0.04%). This variant has not been reported in the literature in individuals affected with PRODH-related conditions. ClinVar contains an entry for this variant (Variation ID: 967305). Algorithms developed to predict the effect of missense changes on protein structure and function (SIFT, PolyPhen-2, Align-GVGD) all suggest that this variant is likely to be tolerated. Algorithms developed to predict the effect of sequence changes on RNA splicing suggest that this variant may create or strengthen a splice site. In summary, the available evidence is currently insufficient to determine the role of this variant in disease. Therefore, it has been classified as a Variant of Uncertain Significance.

Ambry Genetics
Classification: Uncertain significance for Inborn genetic diseases. Last evaluated: 2021-12-06. Review status: criteria provided, single submitter. Criteria: Ambry Variant Classification Scheme 2023. Collection method: clinical testing. Allele origin: germline.

NM_016335.6(PRODH):c.853A>G (p.Ser285Gly)

Gene: PRODH (proline dehydrogenase 1; minus strand). Cytogenetic location: 22q11.21.
Variant type: single nucleotide variant.
Coding change: c.853A>G on transcript NM_016335.6 (MANE Select); coding-DNA position 853, A replaced by G.
Protein change: p.Ser285Gly; replaces serine 285 with glycine.
Molecular consequence: missense variant.
Genome position (GRCh38, 1-based): chr22:18,922,401, T>C on the plus strand (A>G on the coding strand, the complement: PRODH is on the minus strand). VCF-style: chr22-18922401-T-C. GRCh37 (hg19) VCF-style: chr22-18909914-T-C.
Other names: c.529A>G, p.Ser177Gly (NM_001195226.2); short protein forms S177G, S285G.
Identifiers: ClinVar variation 967305 (VCV000967305.9), dbSNP rs199829422, ClinGen allele CA10095200.